The following is an entry in ClinVar:

NM_006009.4(TUBA1A):c.176G>A (p.Gly59Asp)

Gene: TUBA1A (tubulin alpha 1a; minus strand). Cytogenetic location: 12q13.12.
Variant type: single nucleotide variant.
Coding change: c.176G>A on transcript NM_006009.4 (MANE Select); coding-DNA position 176, G replaced by A.
Protein change: p.Gly59Asp; replaces glycine 59 with aspartic acid.
Molecular consequence: missense variant.
Genome position (GRCh38, 1-based): chr12:49,186,661, C>T on the plus strand (G>A on the coding strand, the complement: TUBA1A is on the minus strand). VCF-style: chr12-49186661-C-T. GRCh37 (hg19) VCF-style: chr12-49580444-C-T.
Other names: c.176G>A, p.Gly59Asp (NM_001270399.2); c.71G>A, p.Gly24Asp (NM_001270400.2); short protein forms G24D, G59D.
Identifiers: ClinVar variation 3184704 (VCV003184704.1), dbSNP rs2498863350, ClinGen allele CA384644918.

ClinVar aggregate classification (germline): Uncertain significance (1 of 4 stars; one submission).

Conditions:
Inborn genetic diseases. Identifiers: MedGen C0950123, MeSH D030342.

Submission:

Ambry Genetics
Classification: Uncertain significance for Inborn genetic diseases. Last evaluated: 2024-02-26. Review status: criteria provided, single submitter. Criteria: Ambry Variant Classification Scheme 2023. Collection method: clinical testing. Allele origin: germline.
Comment: The c.176G>A (p.G59D) alteration is located in exon 2 (coding exon 2) of the TUBA1A gene. This alteration results from a G to A substitution at nucleotide position 176, causing the glycine (G) at amino acid position 59 to be replaced by an aspartic acid (D). This variant was not reported in population-based cohorts in the Genome Aggregation Database (gnomAD). Another alteration at the same codon, c.175G>A (p.G59S), has been reported de novo in one individual with mild developmental delay, asymmetry of spontaneous arm movements, mild intellectual disability, and mild eye asymmetry (Romaniello, 2017). This amino acid position is highly conserved in available vertebrate species. This missense alteration is located in a region that has a low rate of benign missense variation (Lek, 2016; Firth, 2009). This alteration is predicted to be deleterious by in silico analysis. Based on insufficient or conflicting evidence, the clinical significance of this alteration remains unclear.

Literature cited by the submitters: PubMed 28677066.